The following is an entry in ClinVar:

NM_058246.4(DNAJB6):c.797C>T (p.Ala266Val)

Gene: DNAJB6 (DnaJ heat shock protein family (Hsp40) member B6; plus strand). Cytogenetic location: 7q36.3.
Variant type: single nucleotide variant.
Coding change: c.797C>T on transcript NM_058246.4 (MANE Select); coding-DNA position 797, C replaced by T.
Protein change: p.Ala266Val; replaces alanine 266 with valine.
Molecular consequence: missense variant.
Genome position (GRCh38, 1-based): chr7:157,409,900, C>T. VCF-style: chr7-157409900-C-T. GRCh37 (hg19) VCF-style: chr7-157202594-C-T.
Other names: c.452C>T, p.Ala151Val (NM_001363676.1); short protein forms A151V, A266V.
Identifiers: ClinVar variation 2790096 (VCV002790096.3), dbSNP rs1230876486, ClinGen allele CA370167350.
Genomic context (GRCh38, chr7:157,409,900, plus strand): 5'-GCCAGAACGCCCTGCCAGCCCAGCCTGCCGGCCTCCGCCCGCCGAAGCCGCCCCGGCCTG[C>T]CTCGCTGCTGAGACACGCGCCTCACTGTCTCTCTGAGGAGGAGGGCGAGCAGGACCGACC-3'
Protein context (NP_490647.1, residues 256-276): GLRPPKPPRP[Ala266Val]SLLRHAPHCL

ClinVar aggregate classification (germline): Uncertain significance (1 of 4 stars; one submission).

Conditions:
Autosomal dominant limb-girdle muscular dystrophy type 1D (DNAJB6) (LGMDD1). Also called: MUSCULAR DYSTROPHY, LIMB-GIRDLE, TYPE 1D; MUSCULAR DYSTROPHY, AUTOSOMAL DOMINANT, WITH RIMMED VACUOLES; Autosomal dominant limb-girdle muscular dystrophy type 1D; Muscular dystrophy, limb-girdle, autosomal dominant 1. Identifiers: Orphanet 34516, MedGen C4721885, MONDO:0021018, OMIM 603511.

Allele frequency attached by ClinVar (database versions not stated): gnomAD exomes below 0.00001.
gnomAD v4.1: 3 of 1,534,480 alleles (0.0002%); highest among the groups gnomAD compares: East Asian, 0.0024%; no homozygotes.

Submission:

Labcorp Genetics (formerly Invitae), Labcorp
Classification: Uncertain significance for Autosomal dominant limb-girdle muscular dystrophy type 1D (DNAJB6). Last evaluated: 2023-05-24. Review status: criteria provided, single submitter. Criteria: Invitae Variant Classification Sherloc (09022015). Collection method: clinical testing. Allele origin: germline.
Comment: This sequence change replaces alanine, which is neutral and non-polar, with valine, which is neutral and non-polar, at codon 266 of the DNAJB6 protein (p.Ala266Val). This variant is not present in population databases (gnomAD no frequency). This variant has not been reported in the literature in individuals affected with DNAJB6-related conditions. Advanced modeling of protein sequence and biophysical properties (such as structural, functional, and spatial information, amino acid conservation, physicochemical variation, residue mobility, and thermodynamic stability) performed at Invitae indicates that this missense variant is not expected to disrupt DNAJB6 protein function. In summary, the available evidence is currently insufficient to determine the role of this variant in disease. Therefore, it has been classified as a Variant of Uncertain Significance.